The following is an entry in ClinVar:

NM_004329.3(BMPR1A):c.1057C>T (p.Gln353Ter)

Gene: BMPR1A (bone morphogenetic protein receptor type 1A; plus strand). Cytogenetic location: 10q23.2.
Variant type: single nucleotide variant.
Coding change: c.1057C>T on transcript NM_004329.3 (MANE Select); coding-DNA position 1057, C replaced by T.
Protein change: p.Gln353Ter; replaces glutamine 353 with a stop codon.
Molecular consequence: nonsense.
Genome position (GRCh38, 1-based): chr10:86,919,360, C>T. VCF-style: chr10-86919360-C-T. GRCh37 (hg19) VCF-style: chr10-88679117-C-T.
Other names: c.1057C>T (NM_004329.2); short protein forms Q353*.
Identifiers: ClinVar variation 1457588 (VCV001457588.4), dbSNP rs2133592454, ClinGen allele CA377460726.

ClinVar aggregate classification (germline): Pathogenic. Review status: criteria provided, multiple submitters, no conflicts (2 of 4 stars). 2 submissions from 2 submitters: Pathogenic (2). Last evaluated 2022-10-21.

Conditions:
Juvenile polyposis syndrome (JPS). Identifiers: Orphanet 2929, MedGen C0345893, MONDO:0017380, OMIM 174900.

Submissions (2):

Quest Diagnostics Nichols Institute San Juan Capistrano
Classification: Pathogenic. Last evaluated: 2022-10-21. Review status: criteria provided, single submitter. Criteria: Quest Diagnostics criteria. Collection method: clinical testing. Allele origin: unknown.
Comment: This nonsense variant causes the premature termination of BMPR1A protein synthesis. This variant has not been reported in large, multi-ethnic general populations. In the published literature, the variant has been reported in an individual with juvenile polyposis syndrome (JPS) (PMID: 16152648 (2005)). Based on the available information, this variant is classified as pathogenic.

Labcorp Genetics (formerly Invitae), Labcorp
Classification: Pathogenic for Juvenile polyposis syndrome. Last evaluated: 2021-10-14. Review status: criteria provided, single submitter. Criteria: Invitae Variant Classification Sherloc (09022015). Collection method: clinical testing. Allele origin: germline.

Literature cited by the submitters: PubMed 16152648 (cited by Quest Diagnostics Nichols Institute San Juan Capistrano).